The following is an entry in ClinVar:

NM_006567.5(FARS2):c.191G>A (p.Ser64Asn)

Genes: FARS2 (phenylalanyl-tRNA synthetase 2, mitochondrial; plus strand), LOC126859565 (CDK7 strongly-dependent group 2 enhancer GRCh37_chr6:5368745-5369944; plus strand). Cytogenetic location: 6p25.1.
Variant type: single nucleotide variant.
Coding change: c.191G>A on transcript NM_006567.5 (MANE Select); coding-DNA position 191, G replaced by A.
Protein change: p.Ser64Asn; replaces serine 64 with asparagine.
Molecular consequence: missense variant. On other transcripts: intron variant (2).
Genome position (GRCh38, 1-based): chr6:5,368,761, G>A. VCF-style: chr6-5368761-G-A. GRCh37 (hg19) VCF-style: chr6-5368994-G-A.
Other names: c.191G>A, p.Ser64Asn (NM_001318872.2, NM_001374875.1, NM_001374876.1 and 5 more transcripts); c.-340-27872G>A (NM_001375260.1); c.-84-35781G>A (NM_001375259.1); short protein forms S64N.
Identifiers: ClinVar variation 4976036 (VCV004976036.1).

ClinVar aggregate classification (germline): Uncertain significance (1 of 4 stars; one submission).

Submission:

GeneDx
Classification: Uncertain significance. Last evaluated: 2026-02-10. Review status: criteria provided, single submitter. Criteria: GeneDx Variant Classification Process June 2021. Collection method: clinical testing. Allele origin: germline.
Comment: Not observed at significant frequency in large population cohorts (gnomAD); In silico analysis suggests that this missense variant does not alter protein structure/function; Has not been previously published as pathogenic or benign to our knowledge